The following is an entry in ClinVar:

NM_004380.3(CREBBP):c.1301A>T (p.Lys434Ile)

Gene: CREBBP (CREB binding lysine acetyltransferase; minus strand). Cytogenetic location: 16p13.3.
Variant type: single nucleotide variant.
Coding change: c.1301A>T on transcript NM_004380.3 (MANE Select); coding-DNA position 1301, A replaced by T.
Protein change: p.Lys434Ile; replaces lysine 434 with isoleucine.
Molecular consequence: missense variant. On other transcripts: intron variant (1).
Genome position (GRCh38, 1-based): chr16:3,792,010, T>A on the plus strand (A>T on the coding strand, the complement: CREBBP is on the minus strand). VCF-style: chr16-3792010-T-A. GRCh37 (hg19) VCF-style: chr16-3842011-T-A.
Other names: c.1216+1376A>T (NM_001079846.1); short protein forms K434I.
Identifiers: ClinVar variation 3381760 (VCV003381760.2).

ClinVar aggregate classification (germline): Likely pathogenic (1 of 4 stars; one submission).

Conditions:
Rubinstein-Taybi syndrome due to CREBBP mutations (RSTS1). Also called: RUBINSTEIN SYNDROME; Rubinstein-Taybi syndrome 1; CREBBP-Related Rubinstein-Taybi Syndrome; BROAD THUMBS AND GREAT TOES, CHARACTERISTIC FACIES, AND IMPAIRED INTELLECTUAL DEVELOPMENT; RUBINSTEIN-TAYBI SYNDROME 1, INCOMPLETE; BROAD THUMB-HALLUX SYNDROME. Identifiers: Orphanet 353277, Orphanet 783, MedGen C4551859, MONDO:0008393, OMIM 180849.

Submission:

Molecular Genetics Laboratory, Motol Hospital
Classification: Likely pathogenic for Rubinstein-Taybi syndrome due to CREBBP mutations. Last evaluated: 2024-11-27. Review status: criteria provided, single submitter. Criteria: ACMG Guidelines, 2015. Collection method: clinical testing. Allele origin: de novo. Affected: yes. Observed: 1 variant allele.
Comment: The variant was confirmed to be of a de novo origin. Rare variants affecting the CREBBP gene are documented as a molecular cause of autosomal dominant "Rubinstein-Taybi syndrome 1" (OMIM:180849) (PMID:17052327;20684013;7630403). To conclude, the variant is classified as likely pathogenic (ACMG PM2, PS2, PP2, PP3).

Literature cited by the submitters: PubMed 17052327; PubMed 20684013; PubMed 7630403.